The following is an entry in ClinVar:

NM_199420.4(POLQ):c.5425T>C (p.Ser1809Pro)

Gene: POLQ (DNA polymerase theta; minus strand). Cytogenetic location: 3q13.33.
Variant type: single nucleotide variant.
Coding change: c.5425T>C on transcript NM_199420.4 (MANE Select); coding-DNA position 5425, T replaced by C.
Protein change: p.Ser1809Pro; replaces serine 1809 with proline.
Molecular consequence: missense variant.
Genome position (GRCh38, 1-based): chr3:121,487,506, A>G on the plus strand (T>C on the coding strand, the complement: POLQ is on the minus strand). VCF-style: chr3-121487506-A-G. GRCh37 (hg19) VCF-style: chr3-121206353-A-G.
Other names: short protein forms S1809P.
Identifiers: ClinVar variation 1747463 (VCV001747463.2), dbSNP rs2546784751, ClinGen allele CA354090216.

ClinVar aggregate classification (germline): Uncertain significance (1 of 4 stars; one submission).

Submission:

Ambry Genetics
Classification: Uncertain significance. Last evaluated: 2021-07-23. Review status: criteria provided, single submitter. Criteria: Ambry Variant Classification Scheme 2023. Collection method: clinical testing. Allele origin: germline.
Comment: The p.S1809P variant (also known as c.5425T>C), located in coding exon 16 of the POLQ gene, results from a T to C substitution at nucleotide position 5425. The serine at codon 1809 is replaced by proline, an amino acid with similar properties. This amino acid position is conserved. In addition, this alteration is predicted to be tolerated by in silico analysis. Since supporting evidence is limited at this time, the clinical significance of this alteration remains unclear.